The following is an entry in ClinVar:

NM_001214909.2(ZNF48):c.1624C>T (p.Pro542Ser)

Gene: ZNF48 (zinc finger protein 48; plus strand). Cytogenetic location: 16p11.2.
Variant type: single nucleotide variant.
Coding change: c.1624C>T on transcript NM_001214909.2 (MANE Select); coding-DNA position 1624, C replaced by T.
Protein change: p.Pro542Ser; replaces proline 542 with serine.
Molecular consequence: missense variant.
Genome position (GRCh38, 1-based): chr16:30,398,874, C>T. VCF-style: chr16-30398874-C-T. GRCh37 (hg19) VCF-style: chr16-30410195-C-T.
Other names: c.1624C>T, p.Pro542Ser (NM_001214906.1, NM_152652.3); c.1255C>T, p.Pro419Ser (NM_001214907.1, NM_001324494.2); short protein forms P542S, P419S.
Identifiers: ClinVar variation 161575 (VCV000161575.2), dbSNP rs193921000, ClinGen allele CA174377.
Genomic context (GRCh38, chr16:30,398,874, plus strand): 5'-GGCCCAGTACCCATGGCCCCTCGACCCCGAGTTCGGGCCCAGCCTTCTGGACCCAGCCAG[C>T]CCCACGTGTGTGGCTTCTGTGGGAAGGAGTTCCCCCGGAGCTCAGATCTGGTCAAACACA-3'
Protein context (NP_001201838.1, residues 532-552): VRAQPSGPSQ[Pro542Ser]HVCGFCGKEF

ClinVar aggregate classification (germline): Uncertain significance (0 of 4 stars; one submission).

Conditions:
Prostate cancer. Also called: Malignant tumor of prostate. Identifiers: Orphanet 1331, MedGen C0376358, MONDO:0008315, HP:0012125.

Submission:

Science for Life laboratory,  Karolinska Institutet
Classification: Uncertain significance for Malignant tumor of prostate. Review status: no assertion criteria provided. Collection method: not provided. Allele origin: somatic.
Comment: TumorID:SWE-5
ClinVar note: Converted during submission from Unknown to Uncertain significance.